The following is an entry in ClinVar:

NM_000059.4(BRCA2):c.9067G>A (p.Ala3023Thr)

Gene: BRCA2 (BRCA2 DNA repair associated; plus strand). Cytogenetic location: 13q13.1.
Variant type: single nucleotide variant.
Coding change: c.9067G>A on transcript NM_000059.4 (MANE Select); coding-DNA position 9067, G replaced by A.
Protein change: p.Ala3023Thr; replaces alanine 3023 with threonine.
Molecular consequence: missense variant.
Genome position (GRCh38, 1-based): chr13:32,379,863, G>A. VCF-style: chr13-32379863-G-A. GRCh37 (hg19) VCF-style: chr13-32954000-G-A.
Other names: short protein forms A3023T.
Identifiers: ClinVar variation 661618 (VCV000661618.9), dbSNP rs1593937575, ClinGen allele CA387757576.

ClinVar aggregate classification (germline): Uncertain significance (1 of 4 stars; one submission).

Conditions:
Hereditary breast ovarian cancer syndrome. Also called: Hereditary breast and ovarian cancer syndrome (HBOC); Hereditary breast and ovarian cancer syndrome; Breast and ovarian cancer; Hereditary breast and ovarian cancer; Hereditary breast and/or ovarian cancer syndrome; BRCA1- and BRCA2-Associated Hereditary Breast and Ovarian Cancer. Identifiers: Orphanet 145, MedGen C0677776, MeSH D061325, MONDO:0003582. Disease mechanism: loss of function.

Submission:

Labcorp Genetics (formerly Invitae), Labcorp
Classification: Uncertain significance for Hereditary breast ovarian cancer syndrome. Last evaluated: 2018-10-31. Review status: criteria provided, single submitter. Criteria: Invitae Variant Classification Sherloc (09022015). Collection method: clinical testing. Allele origin: germline.
Comment: This sequence change replaces alanine with threonine at codon 3023 of the BRCA2 protein (p.Ala3023Thr). The alanine residue is moderately conserved and there is a small physicochemical difference between alanine and threonine. This variant is not present in population databases (ExAC no frequency). This variant has not been reported in the literature in individuals with BRCA2-related disease. Algorithms developed to predict the effect of missense changes on protein structure and function output the following: SIFT: "Tolerated"; PolyPhen-2: "Benign"; Align-GVGD: "Class C0". The threonine amino acid residue is found in multiple mammalian species, suggesting that this missense change does not adversely affect protein function. These predictions have not been confirmed by published functional studies and their clinical significance is uncertain. In summary, the available evidence is currently insufficient to determine the role of this variant in disease. Therefore, it has been classified as a Variant of Uncertain Significance.